The following is an entry in ClinVar:

NM_145868.2(ANXA11):c.1030-3C>G

Gene: ANXA11 (annexin A11; minus strand). Cytogenetic location: 10q22.3.
Variant type: single nucleotide variant.
Coding change: c.1030-3C>G on transcript NM_145868.2 (MANE Select); 3 bases into the intron before coding-DNA position 1030, C replaced by G.
Molecular consequence: intron variant.
Genome position (GRCh38, 1-based): chr10:80,163,408, G>C on the plus strand (C>G on the coding strand, the complement: ANXA11 is on the minus strand). VCF-style: chr10-80163408-G-C. GRCh37 (hg19) VCF-style: chr10-81923164-G-C.
Other names: c.1030-3C>G (NM_001278407.2, NM_001157.3, NM_145869.2 and 1 more transcripts); c.931-3C>G (NM_001278409.2).
Identifiers: ClinVar variation 3709201 (VCV003709201.2).

ClinVar aggregate classification (germline): Uncertain significance (1 of 4 stars; one submission).

gnomAD v4.1: 21 of 1,613,958 alleles (0.0013%); highest among the groups gnomAD compares: Non-Finnish European, 0.0017%; no homozygotes.

Submission:

Labcorp Genetics (formerly Invitae), Labcorp
Classification: Uncertain significance. Last evaluated: 2024-10-07. Review status: criteria provided, single submitter. Criteria: Invitae Variant Classification Sherloc (09022015). Collection method: clinical testing. Allele origin: germline.
Comment: This sequence change falls in intron 9 of the ANXA11 gene. It does not directly change the encoded amino acid sequence of the ANXA11 protein. It affects a nucleotide within the consensus splice site. This variant is present in population databases (no rsID available, gnomAD 0.007%). This variant has not been reported in the literature in individuals affected with ANXA11-related conditions. Variants that disrupt the consensus splice site are a relatively common cause of aberrant splicing (PMID: 17576681, 9536098). Algorithms developed to predict the effect of sequence changes on RNA splicing suggest that this variant may disrupt the consensus splice site. In summary, the available evidence is currently insufficient to determine the role of this variant in disease. Therefore, it has been classified as a Variant of Uncertain Significance.

Literature cited by the submitters: PubMed 17576681; PubMed 9536098.